The following is an entry in ClinVar:

NM_144988.4(ALG14):c.136G>A (p.Gly46Ser)

Genes: ALG14 (ALG14 UDP-N-acetylglucosaminyltransferase subunit; minus strand), LOC129930989 (ATAC-STARR-seq lymphoblastoid active region 1353; plus strand). Cytogenetic location: 1p21.3.
Variant type: single nucleotide variant.
Coding change: c.136G>A on transcript NM_144988.4 (MANE Select); coding-DNA position 136, G replaced by A.
Protein change: p.Gly46Ser; replaces glycine 46 with serine.
Molecular consequence: missense variant. On other transcripts: non-coding transcript variant (1).
Genome position (GRCh38, 1-based): chr1:95,072,763, C>T on the plus strand (G>A on the coding strand, the complement: ALG14 is on the minus strand). VCF-style: chr1-95072763-C-T. GRCh37 (hg19) VCF-style: chr1-95538319-C-T.
Other names: c.136G>A, p.Gly46Ser (NM_001305242.2); short protein forms G46S.
Identifiers: ClinVar variation 5007314 (VCV005007314.2).

ClinVar aggregate classification (germline): Uncertain significance (1 of 4 stars; one submission).

Conditions:
Intellectual developmental disorder with epilepsy, behavioral abnormalities, and coarse facies. Identifiers: MedGen C5436646, MONDO:0033572, OMIM 619031.
Congenital myasthenic syndrome 15. Also called: Myasthenic syndrome, congenital, 15, without tubular aggregates. Identifiers: Orphanet 353327, Orphanet 590, MedGen C4015596, MONDO:0014542, OMIM 616227.
Myopathy, epilepsy, and progressive cerebral atrophy. Identifiers: MedGen C5436652, MONDO:0033619, OMIM 619036.

gnomAD v4.1: 3 of 1,614,002 alleles (0.00019%); highest among the groups gnomAD compares: East Asian, 0.0067%; no homozygotes.

Submission:

Juno Genomics, Hangzhou Juno Genomics, Inc
Classification: Uncertain significance for Congenital myasthenic syndrome 15; Intellectual developmental disorder with epilepsy, behavioral abnormalities, and coarse facies; Myopathy, epilepsy, and progressive cerebral atrophy. Review status: criteria provided, single submitter. Criteria: ACMG Guidelines, 2015. Collection method: clinical testing. Allele origin: germline.
Comment: Absent from controls (or at extremely low frequency if recessive) in Genome Aggregation Database.;Multiple lines of computational evidence support a deleterious effect on the gene or gene product.